The following is an entry in ClinVar:

NM_003072.5(SMARCA4):c.4295A>G (p.Asp1432Gly)

Gene: SMARCA4 (SWI/SNF related BAF chromatin remodeling complex subunit ATPase 4; plus strand). Cytogenetic location: 19p13.2.
Variant type: single nucleotide variant.
Coding change: c.4295A>G on transcript NM_003072.5 (MANE Select); coding-DNA position 4295, A replaced by G.
Protein change: p.Asp1432Gly; replaces aspartic acid 1432 with glycine.
Molecular consequence: missense variant. On other transcripts: non-coding transcript variant (1).
Genome position (GRCh38, 1-based): chr19:11,041,431, A>G. VCF-style: chr19-11041431-A-G. GRCh37 (hg19) VCF-style: chr19-11152107-A-G.
Other names: c.4295A>G, p.Asp1432Gly (NM_001128844.3); c.4205A>G, p.Asp1402Gly (NM_001128845.2, NM_001128846.2); c.4196A>G, p.Asp1399Gly (NM_001128847.4, NM_001128848.2, NM_001374457.1); c.4391A>G, p.Asp1464Gly (NM_001128849.3, NM_001387283.1); short protein forms D1464G, D1432G, D1399G, D1402G.
Identifiers: ClinVar variation 470398 (VCV000470398.15), dbSNP rs1555788260, ClinGen allele CA404073656.
Genomic context (GRCh38, chr19:11,041,431, plus strand): 5'-AGCGCAAGCGAGACAGCGACGCCGGCTCCTCCACCCCGACCACCAGCACCCGCAGCCGCG[A>G]CAAGGACGACGAGAGCAAGAAGCAGAAGAAGCGCGGGCGGCCGCCTGCCGAGAAACTCTC-3'
Protein context (NP_003063.2, residues 1422-1442): STPTTSTRSR[Asp1432Gly]KDDESKKQKK

ClinVar aggregate classification (germline): Conflicting classifications of pathogenicity. Review status: criteria provided, conflicting classifications (1 of 4 stars). 3 submissions from 3 submitters: Uncertain significance (2); Likely benign (1). Last evaluated 2026-03-18.

Conditions:
SMARCA4-related disorder. Also called: SMARCA4-related condition.
Hereditary cancer-predisposing syndrome. Also called: Tumor predisposition; Hereditary neoplastic syndrome; Neoplastic Syndromes, Hereditary; Hereditary Cancer Syndrome. Identifiers: Orphanet 140162, MedGen C0027672, MeSH D009386, MONDO:0015356.
Rhabdoid tumor predisposition syndrome 2 (RTPS2). Identifiers: Orphanet 231108, Orphanet 69077, MedGen C2750074, MONDO:0013224, OMIM 613325.

Allele frequency attached by ClinVar (database versions not stated): 1000 Genomes Project 30x 0.00016.
gnomAD v4.1: 1 of 1,612,568 alleles (0.000062%); highest among the groups gnomAD compares: Non-Finnish European, 0.000085%; no homozygotes.

Submissions (3):

PreventionGenetics, part of Exact Sciences
Classification: Uncertain significance for SMARCA4-related condition. Last evaluated: 2026-03-18. Review status: criteria provided, single submitter. Criteria: ACMG Guidelines, 2015. Collection method: clinical testing. Allele origin: germline.
Comment: The SMARCA4 c.4391A>G variant is predicted to result in the amino acid substitution p.Asp1464Gly. To our knowledge, this variant has not been reported in the literature or in a large population database (gnomAD), indicating this variant is rare. At this time, the clinical significance of this variant is uncertain due to the absence of conclusive functional and genetic evidence.

Labcorp Genetics (formerly Invitae), Labcorp
Classification: Uncertain significance for Rhabdoid tumor predisposition syndrome 2. Last evaluated: 2025-07-31. Review status: criteria provided, single submitter. Criteria: Invitae Variant Classification Sherloc (09022015). Collection method: clinical testing. Allele origin: germline.
Comment: This sequence change replaces aspartic acid, which is acidic and polar, with glycine, which is neutral and non-polar, at codon 1464 of the SMARCA4 protein (p.Asp1464Gly). This variant is not present in population databases (gnomAD no frequency). This variant has not been reported in the literature in individuals affected with SMARCA4-related conditions. ClinVar contains an entry for this variant (Variation ID: 470398). An algorithm developed to predict the effect of missense changes on protein structure and function (PolyPhen-2) suggests that this variant is likely to be tolerated. In summary, the available evidence is currently insufficient to determine the role of this variant in disease. Therefore, it has been classified as a Variant of Uncertain Significance.

Ambry Genetics
Classification: Likely benign for Hereditary cancer-predisposing syndrome. Last evaluated: 2024-09-10. Review status: criteria provided, single submitter. Criteria: Ambry Variant Classification Scheme 2023. Collection method: clinical testing. Allele origin: germline.